The following is an entry in ClinVar:

NM_001035.3(RYR2):c.3596A>G (p.Asp1199Gly)

Gene: RYR2 (ryanodine receptor 2; plus strand). Cytogenetic location: 1q43.
Variant type: single nucleotide variant.
Coding change: c.3596A>G on transcript NM_001035.3 (MANE Select); coding-DNA position 3596, A replaced by G.
Protein change: p.Asp1199Gly; replaces aspartic acid 1199 with glycine.
Molecular consequence: missense variant.
Genome position (GRCh38, 1-based): chr1:237,569,317, A>G. VCF-style: chr1-237569317-A-G. GRCh37 (hg19) VCF-style: chr1-237732617-A-G.
Other names: short protein forms D1199G.
Identifiers: ClinVar variation 43773 (VCV000043773.21), dbSNP rs149760466, ClinGen allele CA009275.

ClinVar aggregate classification (germline): Uncertain significance. Review status: criteria provided, multiple submitters, no conflicts (2 of 4 stars). 6 submissions from 6 submitters: Uncertain significance (6). Last evaluated 2025-02-26.

Conditions:
Cardiomyopathy (CMYO). Also called: Cardiomyopathies. Identifiers: Orphanet 167848, MedGen C0878544, MONDO:0004994, HP:0001638. Inheritance: Various modes of inheritance.
Catecholaminergic polymorphic ventricular tachycardia 1. Also called: VENTRICULAR TACHYCARDIA, CATECHOLAMINERGIC POLYMORPHIC, 1, WITH OR WITHOUT ATRIAL DYSFUNCTION AND/OR DILATED CARDIOMYOPATHY; RYR2-Related Catecholaminergic Polymorphic Ventricular Tachycardia; VENTRICULAR TACHYCARDIA, STRESS-INDUCED POLYMORPHIC 1. Identifiers: Orphanet 3286, MedGen C1631597, MONDO:0011484, OMIM 604772.
Catecholaminergic polymorphic ventricular tachycardia (CVPT). Also called: Catecholamine-induced polymorphic ventricular tachycardia. Identifiers: Orphanet 3286, MedGen C5574922, MONDO:0017990.

Allele frequency attached by ClinVar (database versions not stated): TOPMed below 0.00001; ExAC 0.00001; gnomAD 0.00001; gnomAD exomes 0.00002 and below 0.00001; 1000 Genomes Project 30x 0.00016; 1000 Genomes Project 0.00020.
gnomAD v4.1: 30 of 1,613,408 alleles (0.0019%); highest among the groups gnomAD compares: Non-Finnish European, 0.0025%; no homozygotes.

Submissions (6):

Labcorp Genetics (formerly Invitae), Labcorp
Classification: Uncertain significance for Catecholaminergic polymorphic ventricular tachycardia 1. Last evaluated: 2025-02-26. Review status: criteria provided, single submitter. Criteria: Invitae Variant Classification Sherloc (09022015). Collection method: clinical testing. Allele origin: germline.
Comment: This sequence change replaces aspartic acid, which is acidic and polar, with glycine, which is neutral and non-polar, at codon 1199 of the RYR2 protein (p.Asp1199Gly). This variant is present in population databases (rs149760466, gnomAD 0.0009%). This missense change has been observed in individual(s) with dilated cardiomyopathy (PMID: 27532257). ClinVar contains an entry for this variant (Variation ID: 43773). An algorithm developed to predict the effect of missense changes on protein structure and function (PolyPhen-2) suggests that this variant is likely to be disruptive. In summary, the available evidence is currently insufficient to determine the role of this variant in disease. Therefore, it has been classified as a Variant of Uncertain Significance.

GeneDx
Classification: Uncertain significance. Last evaluated: 2025-02-11. Review status: criteria provided, single submitter. Criteria: GeneDx Variant Classification Process June 2021. Collection method: clinical testing. Allele origin: germline. Affected: yes.
Comment: Reported in the published literature in association with dilated cardiomyopathy; however, detailed clinical and segregation information was not provided (PMID: 24503780); Not observed at significant frequency in large population cohorts (gnomAD); Not located in one of the three hot-spot regions of the RYR2 gene, where the majority of pathogenic missense variants occur (PMID: 19926015); In silico analysis supports that this missense variant has a deleterious effect on protein structure/function; This variant is associated with the following publications: (PMID: 24503780, 19926015, 27532257)

Women's Health and Genetics/Laboratory Corporation of America, LabCorp
Classification: Uncertain significance. Last evaluated: 2025-01-17. Review status: criteria provided, single submitter. Criteria: LabCorp Variant Classification Summary - May 2015. Collection method: clinical testing. Allele origin: germline.
Comment: Variant summary: RYR2 c.3596A>G (p.Asp1199Gly) results in a non-conservative amino acid change located in the Ryanodine receptor, SPRY domain 2 of the encoded protein sequence. Three of five in-silico tools predict a benign effect of the variant on protein function. Consensus agreement among computation tools predict no significant impact on normal splicing. However, these predictions have yet to be confirmed by functional studies. The variant allele was found at a frequency of 4e-06 in 247946 control chromosomes (gnomAD). The available data on variant occurrences in the general population are insufficient to allow any conclusion about variant significance. c.3596A>G has been reported in the literature in individuals affected with Cardiomyopathy (examples: Pugh_2014, Walsh_2016). These report(s) do not provide unequivocal conclusions about association of the variant with Cardiomyopathy. To our knowledge, no experimental evidence demonstrating an impact on protein function has been reported. The following publications have been ascertained in the context of this evaluation (PMID: 24503780, 27532257). ClinVar contains an entry for this variant (Variation ID: 43773). Based on the evidence outlined above, the variant was classified as uncertain significance.

Color Diagnostics, LLC DBA Color Health
Classification: Uncertain significance for Cardiomyopathy. Last evaluated: 2024-03-11. Review status: criteria provided, single submitter. Criteria: ACMG Guidelines, 2015. Collection method: clinical testing. Allele origin: germline.
Comment: This missense variant replaces aspartic acid with glycine at codon 1199 of the RYR2 protein. Computational prediction suggests that this variant may not impact protein structure and function (internally defined REVEL score threshold <= 0.5, PMID: 27666373). To our knowledge, functional studies have not been reported for this variant. This variant has not been reported in individuals affected with RYR2-related disorders in the literature. This variant has been identified in 1/247946 chromosomes in the general population by the Genome Aggregation Database (gnomAD). The available evidence is insufficient to determine the role of this variant in disease conclusively. Therefore, this variant is classified as a Variant of Uncertain Significance.

All of Us Research Program, National Institutes of Health
Classification: Uncertain significance for Catecholaminergic polymorphic ventricular tachycardia. Last evaluated: 2023-06-28. Review status: criteria provided, single submitter. Criteria: ACMG Guidelines, 2015. Collection method: clinical testing. Allele origin: germline. Inheritance: Autosomal dominant inheritance. Observed: 3 variant alleles, 3 heterozygotes.
Comment: This study involves interpretation of variants in research participants for the purpose of population health screening. Participant phenotype was not available at the time of variant classification. Additional details can be found in publication PMID: 35346344, PMCID: PMC8962531

Laboratory for Molecular Medicine, Mass General Brigham Personalized Medicine
Classification: Uncertain significance. Last evaluated: 2013-09-20. Review status: criteria provided, single submitter. Criteria: LMM Criteria. Collection method: clinical testing. Allele origin: germline. Observed: 1 variant allele.
Comment: The Asp1199Gly variant in RYR2 has not been previously reported in any other ind ividuals with cardiomyopathy, but has been identified in 1/196 Italian chromosom es by the 1000 Genomes Project (dbSNP rs149760466). Computational analyses (bio chemical amino acid properties, conservation, AlignGVGD, PolyPhen2, and SIFT) do not provide strong support for or against an impact to the protein. This varian t is located in the last three bases of the exon, which is part of the 5? splice region. Computational tools do not suggest an impact to splicing, though this i nformation is not predictive enough to rule out pathogenicity. In summary, addit ional information is needed to fully assess the clinical significance of this va riant.

Literature cited by the submitters: PubMed 27532257 (cited by Labcorp Genetics (formerly Invitae), Labcorp and Women's Health and Genetics/Laboratory Corporation of America, LabCorp); PubMed 24503780 (cited by Women's Health and Genetics/Laboratory Corporation of America, LabCorp).